The following is an entry in ClinVar:

NM_001048174.2(MUTYH):c.787A>T (p.Thr263Ser)

Gene: MUTYH (mutY DNA glycosylase; minus strand). Cytogenetic location: 1p34.1.
Variant type: single nucleotide variant.
Coding change: c.787A>T on transcript NM_001048174.2 (MANE Select); coding-DNA position 787, A replaced by T.
Protein change: p.Thr263Ser; replaces threonine 263 with serine.
Molecular consequence: missense variant. On other transcripts: non-coding transcript variant (7).
Genome position (GRCh38, 1-based): chr1:45,332,228, T>A on the plus strand (A>T on the coding strand, the complement: MUTYH is on the minus strand). VCF-style: chr1-45332228-T-A. GRCh37 (hg19) VCF-style: chr1-45797900-T-A.
Other names: c.511A>T, p.Thr171Ser (NM_001293196.2, NM_001407091.1, NM_001293192.2); c.442A>T, p.Thr148Ser (NM_001350650.2, NM_001350651.2, NM_001407082.1); c.820A>T, p.Thr274Ser (NM_001407069.1, NM_001293191.2, NM_001407077.1); c.787A>T, p.Thr263Ser (NM_001407070.1, NM_001407072.1, NM_001407073.1 and 6 more transcripts); c.790A>T, p.Thr264Ser (NM_001407071.1, NM_001048172.2, NM_001407078.1 and 1 more transcripts); c.703A>T, p.Thr235Ser (NM_001407075.1); c.862A>T, p.Thr288Ser (NM_012222.3); c.871A>T, p.Thr291Ser (NM_001128425.2); and 5 more; short protein forms T148S, T270S, T274S, T288S, T249S, T264S, T277S, T171S.
Identifiers: ClinVar variation 4113872 (VCV004113872.1).

ClinVar aggregate classification (germline): Uncertain significance (1 of 4 stars; one submission).

Conditions:
Hereditary cancer-predisposing syndrome. Also called: Hereditary neoplastic syndrome; Neoplastic Syndromes, Hereditary; Tumor predisposition; Hereditary Cancer Syndrome. Identifiers: Orphanet 140162, MedGen C0027672, MeSH D009386, MONDO:0015356.

Submission:

Ambry Genetics
Classification: Uncertain significance for Hereditary cancer-predisposing syndrome. Last evaluated: 2025-08-27. Review status: criteria provided, single submitter. Criteria: Ambry Variant Classification Scheme 2023. Collection method: clinical testing. Allele origin: germline.
Comment: The p.T291S variant (also known as c.871A>T), located in coding exon 10 of the MUTYH gene, results from an A to T substitution at nucleotide position 871. The threonine at codon 291 is replaced by serine, an amino acid with similar properties. This amino acid position is conserved. In addition, the in silico prediction for this alteration is inconclusive. Based on the available evidence, the clinical significance of this variant remains unclear.